The following is an entry in ClinVar:

ClinVar aggregate classification (germline): Conflicting classifications of pathogenicity. Review status: criteria provided, conflicting classifications (1 of 4 stars). 10 submissions from 10 submitters: Uncertain significance (1); Benign (1); Likely benign (6). 2 of the submissions do not count toward it. Last evaluated 2026-01-17.

Conditions:
APC-related disorder. Also called: APC-related condition.
Classic or attenuated familial adenomatous polyposis. Identifiers: MedGen CN372698, MONDO:0021057.
Hereditary cancer-predisposing syndrome. Also called: Tumor predisposition; Hereditary neoplastic syndrome; Neoplastic Syndromes, Hereditary; Hereditary Cancer Syndrome. Identifiers: Orphanet 140162, MedGen C0027672, MeSH D009386, MONDO:0015356.
Familial adenomatous polyposis 1 (FAP1). Also called: FAMILIAL ADENOMATOUS POLYPOSIS 1, ATTENUATED; POLYPOSIS, ADENOMATOUS INTESTINAL. Identifiers: MedGen C2713442, MONDO:0021056, OMIM 175100. Disease mechanism: loss of function.
APC-Associated Polyposis Disorders.

Allele frequency attached by ClinVar (database versions not stated): gnomAD 0.00001; TOPMed 0.00001.
gnomAD v4.1: 2 of 1,614,042 alleles (0.00012%); highest among the groups gnomAD compares: African/African-American, 0.0013%; no homozygotes.

Submissions (10):

Labcorp Genetics (formerly Invitae), Labcorp
Classification: Likely benign for Familial adenomatous polyposis 1. Last evaluated: 2026-01-17. Review status: criteria provided, single submitter. Criteria: Invitae Variant Classification Sherloc (09022015). Collection method: clinical testing. Allele origin: germline.

Myriad Genetics, Inc.
Classification: Benign for Familial adenomatous polyposis 1. Last evaluated: 2024-03-14. Review status: criteria provided, single submitter. Criteria: Myriad Autosomal Dominant, Autosomal Recessive and X-Linked Classification Criteria (2023). Collection method: clinical testing. Allele origin: unknown.
Comment: This variant is considered benign. This variant is a silent/synonymous amino acid change and it is not expected to impact splicing.

All of Us Research Program, National Institutes of Health
Classification: Likely benign for Classic or attenuated familial adenomatous polyposis. Last evaluated: 2023-12-13. Review status: criteria provided, single submitter. Criteria: ACMG Guidelines, 2015. Collection method: clinical testing. Allele origin: germline. Inheritance: Autosomal dominant inheritance. Observed: 2 variant alleles, 2 heterozygotes.
Comment: This study involves interpretation of variants in research participants for the purpose of population health screening. Participant phenotype was not available at the time of variant classification. Additional details can be found in publication PMID: 35346344, PMCID: PMC8962531

Quest Diagnostics Nichols Institute San Juan Capistrano
Classification: Likely benign. Last evaluated: 2023-03-10. Review status: criteria provided, single submitter. Criteria: Quest Diagnostics criteria. Collection method: clinical testing. Allele origin: unknown.

GeneDx
Classification: Likely benign. Last evaluated: 2018-10-03. Review status: criteria provided, single submitter. Criteria: GeneDx Variant Classification Process June 2021. Collection method: clinical testing. Allele origin: germline. Affected: yes.

Color Diagnostics, LLC DBA Color Health
Classification: Likely benign for Hereditary cancer-predisposing syndrome. Last evaluated: 2018-09-04. Review status: criteria provided, single submitter. Criteria: ACMG Guidelines, 2015. Collection method: clinical testing. Allele origin: germline.

Illumina Laboratory Services, Illumina
Classification: Uncertain significance for APC-Associated Polyposis Disorders. Last evaluated: 2017-04-27. Review status: criteria provided, single submitter. Criteria: ICSL Variant Classification Criteria 13 December 2019. Collection method: clinical testing. Allele origin: germline.
Comment: This variant was observed as part of a predisposition screen in an ostensibly healthy population. A literature search was performed for the gene, cDNA change, and amino acid change (where applicable). Publications were found based on this search. However, the evidence from the literature, in combination with allele frequency data from public databases where available, was not sufficient to rule this variant in or out of causing disease. Therefore, this variant is classified as a variant of unknown significance.

Ambry Genetics
Classification: Likely benign for Hereditary cancer-predisposing syndrome. Last evaluated: 2014-11-10. Review status: criteria provided, single submitter. Criteria: Ambry Variant Classification Scheme 2023. Collection method: clinical testing. Allele origin: germline.

PreventionGenetics, part of Exact Sciences
Classification: Likely benign for APC-related condition. Last evaluated: 2019-09-17. Review status: no assertion criteria provided. Collection method: clinical testing. Allele origin: germline. Not counted in ClinVar's aggregate classification.
Comment: This variant is classified as likely benign based on ACMG/AMP sequence variant interpretation guidelines (Richards et al. 2015 PMID: 25741868, with internal and published modifications).

True Health Diagnostics
Classification: Likely benign for Hereditary cancer-predisposing syndrome. Last evaluated: 2018-01-12. Review status: no assertion criteria provided. Collection method: clinical testing. Allele origin: germline. Not counted in ClinVar's aggregate classification.

Literature cited by the submitters: PubMed 7833936 (cited by Illumina Laboratory Services, Illumina); PubMed 11247896 (cited by Illumina Laboratory Services, Illumina); PubMed 26161710 (cited by Illumina Laboratory Services, Illumina); PubMed 20223039 (cited by Illumina Laboratory Services, Illumina); PubMed 12357334 (cited by Illumina Laboratory Services, Illumina).

NM_000038.6(APC):c.2547T>C (p.Asp849=)

Gene: APC (APC regulator of Wnt signaling pathway; plus strand). Cytogenetic location: 5q22.2.
Variant type: single nucleotide variant.
Coding change: c.2547T>C on transcript NM_000038.6 (MANE Select); coding-DNA position 2547, T replaced by C.
Protein change: p.Asp849=; no amino-acid change (aspartic acid 849 retained).
Molecular consequence: synonymous variant.
Genome position (GRCh38, 1-based): chr5:112,838,141, T>C. VCF-style: chr5-112838141-T-C. GRCh37 (hg19) VCF-style: chr5-112173838-T-C.
Other names: c.2547T>C, p.Asp849= (NM_001127510.3, NM_001354895.2); c.2493T>C, p.Asp831= (NM_001127511.3); c.2601T>C, p.Asp867= (NM_001354896.2); c.2577T>C, p.Asp859= (NM_001354897.2); c.2472T>C, p.Asp824= (NM_001354898.2); c.2463T>C, p.Asp821= (NM_001354899.2); c.2424T>C, p.Asp808= (NM_001354900.2); c.2370T>C, p.Asp790= (NM_001354901.2); and 5 more.
Identifiers: ClinVar variation 378945 (VCV000378945.27), dbSNP rs766086010, ClinGen allele CA16604661.